The following is an entry in ClinVar:

NC_000007.13:g.(?_73442498)_(73483050_?)del

Gene: ELN (elastin; plus strand). Cytogenetic location: 7q11.23.
Variant type: Deletion.
Identifiers: ClinVar variation 524226 (VCV000524226.3).

ClinVar aggregate classification (germline): Pathogenic (1 of 4 stars; one submission).

Conditions:
Supravalvar aortic stenosis (SVAS). Also called: Supravalvar aortic stenosis, Eisenberg type. Identifiers: Orphanet 3193, MedGen C0003499, MONDO:0008504, OMIM 185500, HP:0004381.

Submission:

Labcorp Genetics (formerly Invitae), Labcorp
Classification: Pathogenic for Supravalvar aortic stenosis. Last evaluated: 2019-10-21. Review status: criteria provided, single submitter. Criteria: Invitae Variant Classification Sherloc (09022015). Collection method: clinical testing. Allele origin: germline.
Comment: A gross deletion of the genomic region encompassing the full coding sequence of the ELN gene has been identified. The boundaries of this event are unknown as the deletion extends beyond the assayed region for this gene and therefore may encompass additional genes. Isolated whole-gene deletions of ELN have not been reported in the literature. However, larger copy number events that include this gene have been reported (PMID: 7726172, 25205790, 10627943, 7557968, 7611295, 8968740, 25205790, 28277377). Loss-of-function variants in ELN are known to be pathogenic (PMID: 11175284). For these reasons, this variant has been classified as Pathogenic.

Literature cited by the submitters: PubMed 25205790; PubMed 7726172; PubMed 7557968; PubMed 8968740; PubMed 7611295; PubMed 10627943; PubMed 28277377.